The following is an entry in ClinVar:

NM_020822.3(KCNT1):c.2944-52CTCC[13]

Gene: KCNT1 (potassium sodium-activated channel subfamily T member 1; plus strand). Cytogenetic location: 9q34.3.
Variant type: Microsatellite.
Coding change: c.2944-52CTCC[13] on transcript NM_020822.3 (MANE Select); 13 copies in a row of the 4-base unit CTCC starting at c.2944-52.
Molecular consequence: intron variant.
Genome position: GRCh38 VCF-style: chr9-135784482-G-GCTCCCTCC. GRCh37 (hg19) VCF-style: chr9-138676328-G-GCTCCCTCC.
Other names: c.2809-52CTCC[13] (NM_001272003.2).
Identifiers: ClinVar variation 4874347 (VCV004874347.2).

ClinVar aggregate classification (germline): Likely benign (1 of 4 stars; one submission).

Submission:

CeGaT Center for Human Genetics Tuebingen
Classification: Likely benign. Last evaluated: 2026-04-01. Review status: criteria provided, single submitter. Criteria: CeGaT Center For Human Genetics Tuebingen Variant Classification Criteria Version 2. Collection method: clinical testing. Allele origin: germline. Affected: yes. Observed: 1 variant allele.
Comment: KCNT1: BP4, BS1